The following is an entry in ClinVar:

NM_001080453.3(INTS1):c.2055C>A (p.Ala685=)

Gene: INTS1 (integrator complex subunit 1; minus strand). Cytogenetic location: 7p22.3.
Variant type: single nucleotide variant.
Coding change: c.2055C>A on transcript NM_001080453.3 (MANE Select); coding-DNA position 2055, C replaced by A.
Protein change: p.Ala685=; no amino-acid change (alanine 685 retained).
Molecular consequence: synonymous variant.
Genome position (GRCh38, 1-based): chr7:1,493,767, G>T on the plus strand (C>A on the coding strand, the complement: INTS1 is on the minus strand). VCF-style: chr7-1493767-G-T. GRCh37 (hg19) VCF-style: chr7-1533403-G-T.
Identifiers: ClinVar variation 2657207 (VCV002657207.24), dbSNP rs751539576, ClinGen allele CA4120047.

ClinVar aggregate classification (germline): Likely benign (1 of 4 stars; one submission).

gnomAD v4.1: 3 of 1,578,798 alleles (0.00019%); highest among the groups gnomAD compares: Middle Eastern, 0.034%; no homozygotes.

Submission:

CeGaT Center for Human Genetics Tuebingen
Classification: Likely benign. Last evaluated: 2023-02-01. Review status: criteria provided, single submitter. Criteria: CeGaT Center For Human Genetics Tuebingen Variant Classification Criteria Version 2. Collection method: clinical testing. Allele origin: germline. Affected: yes. Observed: 1 variant allele.
Comment: INTS1: BP4, BP7